The following is an entry in ClinVar:

ClinVar aggregate classification (germline): Uncertain significance. Review status: criteria provided, multiple submitters, no conflicts (2 of 4 stars). 2 submissions from 2 submitters: Uncertain significance (2). Last evaluated 2025-02-17.

Conditions:
Fanconi anemia (FA). Also called: Fanconi's anemia. Identifiers: Orphanet 84, MedGen C0015625, MeSH D005199, MONDO:0019391.
Fanconi anemia complementation group A (FANCA). Also called: Fanconi anemia, group A; FANCA-Related Fanconi Anemia. Identifiers: Orphanet 84, MedGen C3469521, MONDO:0009215, OMIM 227650.

Submissions (2):

Labcorp Genetics (formerly Invitae), Labcorp
Classification: Uncertain significance for Fanconi anemia. Last evaluated: 2025-02-17. Review status: criteria provided, single submitter. Criteria: Invitae Variant Classification Sherloc (09022015). Collection method: clinical testing. Allele origin: germline.
Comment: This sequence change falls in intron 17 of the FANCA gene. It does not directly change the encoded amino acid sequence of the FANCA protein. It affects a nucleotide within the consensus splice site. This variant is not present in population databases (gnomAD no frequency). This variant has not been reported in the literature in individuals affected with FANCA-related conditions. ClinVar contains an entry for this variant (Variation ID: 1931553). Variants that disrupt the consensus splice site are a relatively common cause of aberrant splicing (PMID: 17576681, 9536098). Algorithms developed to predict the effect of sequence changes on RNA splicing suggest that this variant is not likely to affect RNA splicing. In summary, the available evidence is currently insufficient to determine the role of this variant in disease. Therefore, it has been classified as a Variant of Uncertain Significance.

Fulgent Genetics
Classification: Uncertain significance for Fanconi anemia complementation group A. Last evaluated: 2024-06-17. Review status: criteria provided, single submitter. Criteria: ACMG Guidelines, 2015. Collection method: clinical testing. Allele origin: germline.

Literature cited by the submitters: PubMed 17576681 (cited by Labcorp Genetics (formerly Invitae), Labcorp); PubMed 9536098 (cited by Labcorp Genetics (formerly Invitae), Labcorp).

NM_000135.4(FANCA):c.1626+5T>C

Gene: FANCA (FA complementation group A; minus strand). Cytogenetic location: 16q24.3.
Variant type: single nucleotide variant.
Coding change: c.1626+5T>C on transcript NM_000135.4 (MANE Select); 5 bases into the intron after coding-DNA position 1626, T replaced by C.
Molecular consequence: intron variant.
Genome position (GRCh38, 1-based): chr16:89,782,854, A>G on the plus strand (T>C on the coding strand, the complement: FANCA is on the minus strand). VCF-style: chr16-89782854-A-G. GRCh37 (hg19) VCF-style: chr16-89849262-A-G.
Other names: c.1626+5T>C (NM_001286167.3).
Identifiers: ClinVar variation 1931553 (VCV001931553.6), dbSNP rs2143458841, ClinGen allele CA2580092359.
Genomic context (GRCh38, chr16:89,782,854, plus strand): 5'-AGAAACTGGACCTTTGCATGGTGGGCGTGACTGGCTGAGACCCTGCAGGGCTCAAGCAAC[A>G]TTACCTCAGTAATGTCCCCAGCTGATGACAAATCCTCGTAGAGTCCCATGTTTTCTATAG-3'